The following is an entry in ClinVar:

ClinVar aggregate classification (germline): Pathogenic/Likely pathogenic. Review status: criteria provided, multiple submitters, no conflicts (2 of 4 stars). 3 submissions from 3 submitters: Pathogenic (1); Likely pathogenic (2). Last evaluated 2025-01-27.

Conditions:
Congenital myopathy with fiber type disproportion. Also called: Congenital fiber-type disproportion; Congenital fiber-type disproportion myopathy. Identifiers: Orphanet 2020, MedGen C0546264, MONDO:0009711. Inheritance: all.
Malignant hyperthermia, susceptibility to, 1 (MHS1). Also called: Anesthesia related hyperthermia; Malignant hyperpyrexia; Fulminating hyperpyrexia; Pharmacogenic myopathy; RYR1-Related Malignant Hyperthermia Susceptibility; Malignant hyperthermia suceptibility 1. Identifiers: Orphanet 423, MedGen C2930980, MONDO:0007783, OMIM 145600.
Congenital multicore myopathy with external ophthalmoplegia (CMYO1B). Also called: MULTICORE MYOPATHY; MULTIMINICORE DISEASE WITH EXTERNAL OPHTHALMOPLEGIA; Minicore myopathy with external ophthalmoplegia; Congenital myopathy 1B, autosomal recessive; Minicore myopathy. Identifiers: Orphanet 598, Orphanet 98905, MedGen C1850674, MONDO:0009712, OMIM 255320, HP:0003789.
Central core myopathy (CMYO1A). Also called: CONGENITAL MYOPATHY 1A, AUTOSOMAL DOMINANT, WITH SUSCEPTIBILITY TO MALIGNANT HYPERTHERMIA; Central core disease; Myopathy, central fibrillar. Identifiers: Orphanet 597, MedGen C5830701, MONDO:0007294, OMIM 117000.
King Denborough syndrome (KDS). Identifiers: MedGen C1840365, MONDO:0020485, OMIM 619542.
RYR1-related disorder. Also called: RYR1-related disorders; RYR1-related condition. Identifiers: MedGen CN239331.

Submissions (3):

Labcorp Genetics (formerly Invitae), Labcorp
Classification: Likely pathogenic for RYR1-related disorder. Last evaluated: 2025-01-27. Review status: criteria provided, single submitter. Criteria: Invitae Variant Classification Sherloc (09022015). Collection method: clinical testing. Allele origin: germline.
Comment: This variant results in the deletion of part of exon 58 of the RYR1 gene. It is expected to disrupt RNA splicing. Variants that disrupt the donor or acceptor splice site typically lead to a loss of protein function (PMID: 16199547), and loss-of-function variants in RYR1 are known to be pathogenic (PMID: 23919265, 25960145, 28818389, 30611313). This variant is not present in population databases (gnomAD no frequency). This variant has not been reported in the literature in individuals affected with RYR1-related conditions. In summary, the currently available evidence indicates that the variant is pathogenic, but additional data are needed to prove that conclusively. Therefore, this variant has been classified as Likely Pathogenic.

Fulgent Genetics
Classification: Likely pathogenic for Central core myopathy; Malignant hyperthermia, susceptibility to, 1; Congenital myopathy 4A, autosomal dominant; Congenital multicore myopathy with external ophthalmoplegia; King Denborough syndrome. Last evaluated: 2021-07-28. Review status: criteria provided, single submitter. Criteria: ACMG Guidelines, 2015. Collection method: clinical testing. Allele origin: unknown.

Eurofins Ntd Llc (ga)
Classification: Pathogenic. Last evaluated: 2016-08-23. Review status: criteria provided, single submitter. Criteria: EGL Classification Definitions 2015. Collection method: clinical testing. Allele origin: germline. Observed: 2 variant alleles, 2 heterozygotes.

Literature cited by the submitters: PubMed 16199547 (cited by Labcorp Genetics (formerly Invitae), Labcorp); PubMed 23919265 (cited by Labcorp Genetics (formerly Invitae), Labcorp); PubMed 25960145 (cited by Labcorp Genetics (formerly Invitae), Labcorp); PubMed 28818389 (cited by Labcorp Genetics (formerly Invitae), Labcorp); PubMed 30611313 (cited by Labcorp Genetics (formerly Invitae), Labcorp).

NM_000540.3(RYR1):c.8929_8932+4delinsAAGCGG

Gene: RYR1 (ryanodine receptor 1; plus strand). Cytogenetic location: 19q13.2.
Variant type: Indel.
Coding change: c.8929_8932+4delinsAAGCGG on transcript NM_000540.3 (MANE Select); coding-DNA position 8929 through 4 bases into the intron after coding-DNA position 8932, CTGGGTAC replaced by AAGCGG.
Molecular consequence: splice donor variant.
Genome position (GRCh38, 1-based): chr19:38,507,824-38,507,831, CTGGGTAC replaced by AAGCGG. VCF-style: chr19-38507824-CTGGGTAC-AAGCGG. GRCh37 (hg19) VCF-style: chr19-38998464-CTGGGTAC-AAGCGG.
Other names: c.8929_8932+4delinsAAGCGG (NM_001042723.2).
Identifiers: ClinVar variation 497120 (VCV000497120.11), dbSNP rs1555786205, ClinGen allele CA658799210.